The following is an entry in ClinVar:

NM_001395413.1(POR):c.385G>A (p.Asp129Asn)

Gene: POR (cytochrome p450 oxidoreductase; plus strand). Cytogenetic location: 7q11.23.
Variant type: single nucleotide variant.
Coding change: c.385G>A on transcript NM_001395413.1 (MANE Select); coding-DNA position 385, G replaced by A.
Protein change: p.Asp129Asn; replaces aspartic acid 129 with asparagine.
Molecular consequence: missense variant.
Genome position (GRCh38, 1-based): chr7:75,980,366, G>A. VCF-style: chr7-75980366-G-A. GRCh37 (hg19) VCF-style: chr7-75609684-G-A.
Other names: c.394G>A (NM_000941.2); c.385G>A, p.Asp129Asn (NM_001367562.3, NM_001382657.2, NM_001382658.3 and 2 more transcripts); c.439G>A, p.Asp147Asn (NM_001382655.3); short protein forms D129N, D147N.
Identifiers: ClinVar variation 1507311 (VCV001507311.4), dbSNP rs554865831, ClinGen allele CA160902791.

ClinVar aggregate classification (germline): Uncertain significance. Review status: criteria provided, multiple submitters, no conflicts (2 of 4 stars). 2 submissions from 2 submitters: Uncertain significance (2). Last evaluated 2024-02-28.

Conditions:
Inborn genetic diseases. Identifiers: MedGen C0950123, MeSH D030342.
Congenital adrenal hyperplasia due to cytochrome P450 oxidoreductase deficiency. Also called: DISORDERED STEROIDOGENESIS DUE TO POR DEFICIENCY. Identifiers: Orphanet 95699, MedGen C1860042, MONDO:0013310, OMIM 613571.

Allele frequency attached by ClinVar (database versions not stated): gnomAD 0.00001; gnomAD exomes 0.00001; TOPMed 0.00001.
gnomAD v4.1: 14 of 1,613,076 alleles (0.00087%); highest among the groups gnomAD compares: African/African-American, 0.015%; no homozygotes.

Submissions (2):

Ambry Genetics
Classification: Uncertain significance for Inborn genetic diseases. Last evaluated: 2024-02-28. Review status: criteria provided, single submitter. Criteria: Ambry Variant Classification Scheme 2023. Collection method: clinical testing. Allele origin: germline.

Labcorp Genetics (formerly Invitae), Labcorp
Classification: Uncertain significance for Congenital adrenal hyperplasia due to cytochrome P450 oxidoreductase deficiency. Last evaluated: 2022-09-07. Review status: criteria provided, single submitter. Criteria: Invitae Variant Classification Sherloc (09022015). Collection method: clinical testing. Allele origin: germline.
Comment: This sequence change replaces aspartic acid, which is acidic and polar, with asparagine, which is neutral and polar, at codon 132 of the POR protein (p.Asp132Asn). This variant is not present in population databases (gnomAD no frequency). This variant has not been reported in the literature in individuals affected with POR-related conditions. ClinVar contains an entry for this variant (Variation ID: 1507311). Algorithms developed to predict the effect of missense changes on protein structure and function are either unavailable or do not agree on the potential impact of this missense change (SIFT: "Deleterious"; PolyPhen-2: "Benign"; Align-GVGD: "Class C0"). In summary, the available evidence is currently insufficient to determine the role of this variant in disease. Therefore, it has been classified as a Variant of Uncertain Significance.